The following is an entry in ClinVar:

NM_001164665.2(KIAA1549):c.5312G>C (p.Gly1771Ala)

Gene: KIAA1549 (KIAA1549; minus strand). Cytogenetic location: 7q34.
Variant type: single nucleotide variant.
Coding change: c.5312G>C on transcript NM_001164665.2 (MANE Select); coding-DNA position 5312, G replaced by C.
Protein change: p.Gly1771Ala; replaces glycine 1771 with alanine.
Molecular consequence: missense variant.
Genome position (GRCh38, 1-based): chr7:138,844,457, C>G on the plus strand (G>C on the coding strand, the complement: KIAA1549 is on the minus strand). VCF-style: chr7-138844457-C-G. GRCh37 (hg19) VCF-style: chr7-138529202-C-G.
Other names: c.5312G>C, p.Gly1771Ala (NM_020910.3); short protein forms G1771A.
Identifiers: ClinVar variation 1020736 (VCV001020736.6), dbSNP rs200895778, ClinGen allele CA4505595.

ClinVar aggregate classification (germline): Conflicting classifications of pathogenicity. Review status: criteria provided, conflicting classifications (1 of 4 stars). 3 submissions from 3 submitters: Uncertain significance (1); Likely benign (1). 1 of the submissions does not count toward it. Last evaluated 2024-06-12.

Conditions:
Retinal dystrophy. Also called: Inherited retinal dystrophy. Identifiers: Orphanet 71862, MedGen C0854723, MeSH D058499, MONDO:0019118, HP:0000556.

Allele frequency attached by ClinVar (database versions not stated): ESP Exome Variant Server 0.00008; TOPMed 0.00020; gnomAD 0.00021 and 0.00022; gnomAD exomes 0.00021 and 0.00037; ExAC 0.00037.
gnomAD v4.1: 540 of 1,537,466 alleles (0.035%); highest among the groups gnomAD compares: Non-Finnish European, 0.045%; no homozygotes.

Submissions (3):

Blueprint Genetics
Classification: Likely benign. Last evaluated: 2024-06-12. Review status: criteria provided, single submitter. Criteria: ACMG Guidelines, 2015. Collection method: clinical testing. Allele origin: germline.

Labcorp Genetics (formerly Invitae), Labcorp
Classification: Uncertain significance. Last evaluated: 2022-05-10. Review status: criteria provided, single submitter. Criteria: Invitae Variant Classification Sherloc (09022015). Collection method: clinical testing. Allele origin: germline.
Comment: This sequence change replaces glycine, which is neutral and non-polar, with alanine, which is neutral and non-polar, at codon 1771 of the KIAA1549 protein (p.Gly1771Ala). This variant is present in population databases (rs200895778, gnomAD 0.04%). This variant has not been reported in the literature in individuals affected with KIAA1549-related conditions. ClinVar contains an entry for this variant (Variation ID: 1020736). Algorithms developed to predict the effect of missense changes on protein structure and function output the following: SIFT: "Deleterious"; PolyPhen-2: "Benign"; Align-GVGD: "Class C0". The alanine amino acid residue is found in multiple mammalian species, which suggests that this missense change does not adversely affect protein function. In summary, the available evidence is currently insufficient to determine the role of this variant in disease. Therefore, it has been classified as a Variant of Uncertain Significance.

Institute of Human Genetics, Univ. Regensburg, Univ. Regensburg
Classification: Uncertain significance for Retinal dystrophy. Last evaluated: 2023-01-01. Review status: no assertion criteria provided. Criteria: ACMG Guidelines, 2015. Collection method: clinical testing. Allele origin: germline. Affected: yes. Not counted in ClinVar's aggregate classification.